The following is an entry in ClinVar:

ClinVar aggregate classification (germline): Uncertain significance. Review status: criteria provided, multiple submitters, no conflicts (2 of 4 stars). 2 submissions from 2 submitters: Uncertain significance (2). Last evaluated 2023-08-04.

Conditions:
Inborn genetic diseases. Identifiers: MedGen C0950123, MeSH D030342.
Joubert syndrome 8 (JBTS8). Identifiers: Orphanet 475, MedGen C2676771, MONDO:0012855, OMIM 612291.

Allele frequency attached by ClinVar (database versions not stated): gnomAD exomes 0.00006; gnomAD 0.00007 and 0.00009; ExAC 0.00011; TOPMed 0.00012.
gnomAD v4.1: 206 of 1,610,838 alleles (0.013%); highest among the groups gnomAD compares: Non-Finnish European, 0.017%; 1 homozygote.

Submissions (2):

Labcorp Genetics (formerly Invitae), Labcorp
Classification: Uncertain significance for Joubert syndrome 8. Last evaluated: 2023-08-04. Review status: criteria provided, single submitter. Criteria: Invitae Variant Classification Sherloc (09022015). Collection method: clinical testing. Allele origin: germline.
Comment: This sequence change replaces asparagine, which is neutral and polar, with threonine, which is neutral and polar, at codon 277 of the ARL13B protein (p.Asn277Thr). This variant is present in population databases (rs142635985, gnomAD 0.01%). This variant has not been reported in the literature in individuals affected with ARL13B-related conditions. ClinVar contains an entry for this variant (Variation ID: 1001849). Advanced modeling of protein sequence and biophysical properties (such as structural, functional, and spatial information, amino acid conservation, physicochemical variation, residue mobility, and thermodynamic stability) performed at Invitae indicates that this missense variant is not expected to disrupt ARL13B protein function. In summary, the available evidence is currently insufficient to determine the role of this variant in disease. Therefore, it has been classified as a Variant of Uncertain Significance.

Ambry Genetics
Classification: Uncertain significance for Inborn genetic diseases. Last evaluated: 2022-11-17. Review status: criteria provided, single submitter. Criteria: Ambry Variant Classification Scheme 2023. Collection method: clinical testing. Allele origin: germline.

NM_001174150.2(ARL13B):c.830A>C (p.Asn277Thr)

Gene: ARL13B (ARF like GTPase 13B; plus strand). Cytogenetic location: 3q11.2.
Variant type: single nucleotide variant.
Coding change: c.830A>C on transcript NM_001174150.2 (MANE Select); coding-DNA position 830, A replaced by C.
Protein change: p.Asn277Thr; replaces asparagine 277 with threonine.
Molecular consequence: missense variant. On other transcripts: non-coding transcript variant (2).
Genome position (GRCh38, 1-based): chr3:94,043,046, A>C. VCF-style: chr3-94043046-A-C. GRCh37 (hg19) VCF-style: chr3-93761890-A-C.
Other names: c.830A>C (NM_182896.2); c.521A>C, p.Asn174Thr (NM_001174151.2); c.785A>C, p.Asn262Thr (NM_001321328.2); c.509A>C, p.Asn170Thr (NM_144996.4); c.830A>C, p.Asn277Thr (NM_182896.3); short protein forms N170T, N174T, N262T, N277T.
Identifiers: ClinVar variation 1001849 (VCV001001849.5), dbSNP rs142635985, ClinGen allele CA2504194.
Genomic context (GRCh38, chr3:94,043,046, plus strand): 5'-TAAAGATAATGTATTTTATTTTTTGTTAGAATGAAGGAAAACTTGAAAGAGAGAAAAAAA[A>C]CCAAAAAATGGAGAAAGACAGTGATGGCTGCCACCTGAAACATAAAATGGAGCATGAGCA-3'
Protein context (NP_001167621.1, residues 267-287): NEGKLEREKK[Asn277Thr]QKMEKDSDGC